The following is an entry in ClinVar:

NC_012920.1(MT-CYB):m.14954A>G

Gene: MT-CYB (mitochondrially encoded cytochrome b; plus strand).
Variant type: single nucleotide variant.
Genome position: chrM-14954-A-G.
Identifiers: ClinVar variation 693794 (VCV000693794.1), dbSNP rs1603224977, ClinGen allele CA913172547.

ClinVar aggregate classification (germline): Likely benign (1 of 4 stars; one submission).

Conditions:
Leigh syndrome (NULS). Also called: Leigh's necrotizing encephalopathy; Leigh's disease; Leigh's syndrome; LEIGH SYNDROME, NUCLEAR; Leigh Syndrome (mtDNA deletion); Leigh Disease. Identifiers: Orphanet 506, MedGen C2931891, MONDO:0009723, OMIM 256000.

Submission:

Wong Mito Lab, Molecular and Human Genetics, Baylor College of Medicine
Classification: Likely benign for Leigh syndrome. Last evaluated: 2019-10-17. Review status: criteria provided, single submitter. Criteria: Modified ACMG Guidelines (Unpublished). Collection method: clinical testing. Allele origin: germline.
Comment: The NC_012920.1:m.14954A>G (YP_003024038.1:p.Thr70Ala) variant in MTCYB gene is interpretated to be a Likely Benign variant based on the modified ACMG guidelines (unpublished). This variant meets the following evidence codes: BS1, BP5